The following is an entry in ClinVar:

ClinVar aggregate classification (germline): Uncertain significance (1 of 4 stars; one submission).

Allele frequency attached by ClinVar (database versions not stated): gnomAD 0.00001; gnomAD exomes 0.00001; TOPMed 0.00002; ExAC 0.00003; ESP Exome Variant Server 0.00008; 1000 Genomes Project 0.00020; 1000 Genomes Project 30x 0.00031.
gnomAD v4.1: 13 of 1,602,528 alleles (0.00081%); highest among the groups gnomAD compares: East Asian, 0.0095%; no homozygotes.

Submission:

Labcorp Genetics (formerly Invitae), Labcorp
Classification: Uncertain significance. Last evaluated: 2024-09-24. Review status: criteria provided, single submitter. Criteria: Invitae Variant Classification Sherloc (09022015). Collection method: clinical testing. Allele origin: germline.
Comment: This sequence change replaces isoleucine, which is neutral and non-polar, with threonine, which is neutral and polar, at codon 1994 of the FN1 protein (p.Ile1994Thr). This variant is present in population databases (rs147592486, gnomAD 0.02%). This variant has not been reported in the literature in individuals affected with FN1-related conditions. ClinVar contains an entry for this variant (Variation ID: 1917186). An algorithm developed to predict the effect of missense changes on protein structure and function (PolyPhen-2) suggests that this variant is likely to be disruptive. In summary, the available evidence is currently insufficient to determine the role of this variant in disease. Therefore, it has been classified as a Variant of Uncertain Significance.

NM_212482.4(FN1):c.5981T>C (p.Ile1994Thr)

Genes: FN1 (fibronectin 1; minus strand), LOC126806496 (CDK7 strongly-dependent group 2 enhancer GRCh37_chr2:216240057-216241256; plus strand). Cytogenetic location: 2q35.
Variant type: single nucleotide variant.
Coding change: c.5981T>C on transcript NM_212482.4 (MANE Select); coding-DNA position 5981, T replaced by C.
Protein change: p.Ile1994Thr; replaces isoleucine 1994 with threonine.
Molecular consequence: missense variant.
Genome position (GRCh38, 1-based): chr2:215,375,390, A>G on the plus strand (T>C on the coding strand, the complement: FN1 is on the minus strand). VCF-style: chr2-215375390-A-G. GRCh37 (hg19) VCF-style: chr2-216240113-A-G.
Other names: c.5981T>C, p.Ile1994Thr (NM_001306129.2); c.5711T>C, p.Ile1904Thr (NM_001306130.2, NM_001365517.2, NM_001365519.2 and 2 more transcripts); c.5438T>C, p.Ile1813Thr (NM_001306131.2, NM_001306132.2, NM_001365523.2 and 2 more transcripts); c.5708T>C, p.Ile1903Thr (NM_001365518.2, NM_001365520.2, NM_001365524.2 and 2 more transcripts); short protein forms I1904T, I1994T, I1903T, I1813T.
Identifiers: ClinVar variation 1917186 (VCV001917186.5), dbSNP rs147592486, ClinGen allele CA2093970.